The following is an entry in ClinVar:

ClinVar aggregate classification (germline): Uncertain significance (1 of 4 stars; one submission).

Conditions:
Leukocyte adhesion deficiency 3. Also called: Leukocyte adhesion deficiency, type III; INTEGRIN ACTIVATION DEFICIENCY DISEASE; LEUKOCYTE ADHESION DEFICIENCY 1 VARIANT. Identifiers: Orphanet 2968, Orphanet 99844, MedGen C2748536, MONDO:0013016, OMIM 612840.

Submission:

Labcorp Genetics (formerly Invitae), Labcorp
Classification: Uncertain significance for Leukocyte adhesion deficiency 3. Last evaluated: 2024-01-15. Review status: criteria provided, single submitter. Criteria: Invitae Variant Classification Sherloc (09022015). Collection method: clinical testing. Allele origin: germline.
Comment: This sequence change replaces valine, which is neutral and non-polar, with alanine, which is neutral and non-polar, at codon 167 of the FERMT3 protein (p.Val167Ala). This variant is not present in population databases (gnomAD no frequency). This variant has not been reported in the literature in individuals affected with FERMT3-related conditions. ClinVar contains an entry for this variant (Variation ID: 1441006). Advanced modeling of protein sequence and biophysical properties (such as structural, functional, and spatial information, amino acid conservation, physicochemical variation, residue mobility, and thermodynamic stability) performed at Invitae indicates that this missense variant is not expected to disrupt FERMT3 protein function with a negative predictive value of 80%. In summary, the available evidence is currently insufficient to determine the role of this variant in disease. Therefore, it has been classified as a Variant of Uncertain Significance.

NM_031471.6(FERMT3):c.500T>C (p.Val167Ala)

Gene: FERMT3 (FERM domain containing kindlin 3; plus strand). Cytogenetic location: 11q13.1.
Variant type: single nucleotide variant.
Coding change: c.500T>C on transcript NM_031471.6 (MANE Select); coding-DNA position 500, T replaced by C.
Protein change: p.Val167Ala; replaces valine 167 with alanine.
Molecular consequence: missense variant. On other transcripts: 5 prime UTR variant (2).
Genome position (GRCh38, 1-based): chr11:64,211,157, T>C. VCF-style: chr11-64211157-T-C. GRCh37 (hg19) VCF-style: chr11-63978629-T-C.
Other names: c.500T>C, p.Val167Ala (NM_001382361.1, NM_001382362.1, NM_001382448.1 and 1 more transcripts); c.-41T>C (NM_001382363.1, NM_001382364.1); short protein forms V167A.
Identifiers: ClinVar variation 1441006 (VCV001441006.8), dbSNP rs2134844071, ClinGen allele CA381082057.